The following is an entry in ClinVar:

ClinVar aggregate classification (germline): Uncertain significance (1 of 4 stars; one submission).

Conditions:
Cardiovascular phenotype. Identifiers: MedGen CN230736.

gnomAD v4.1: 2 of 1,610,018 alleles (0.00012%); highest among the groups gnomAD compares: East Asian, 0.0045%; no homozygotes.

Submission:

Ambry Genetics
Classification: Uncertain significance for Cardiovascular phenotype. Last evaluated: 2021-08-02. Review status: criteria provided, single submitter. Criteria: Ambry Variant Classification Scheme 2023. Collection method: clinical testing. Allele origin: germline.
Comment: The p.D710E variant (also known as c.2130C>A), located in coding exon 41 of the TRDN gene, results from a C to A substitution at nucleotide position 2130. The aspartic acid at codon 710 is replaced by glutamic acid, an amino acid with highly similar properties. This amino acid position is conserved. In addition, this alteration is predicted to be tolerated by in silico analysis. Since supporting evidence is limited at this time, the clinical significance of this alteration remains unclear.

NM_006073.4(TRDN):c.2130C>A (p.Asp710Glu)

Gene: TRDN (triadin; minus strand). Cytogenetic location: 6q22.31.
Variant type: single nucleotide variant.
Coding change: c.2130C>A on transcript NM_006073.4 (MANE Select); coding-DNA position 2130, C replaced by A.
Protein change: p.Asp710Glu; replaces aspartic acid 710 with glutamic acid.
Molecular consequence: missense variant.
Genome position (GRCh38, 1-based): chr6:123,218,661, G>T on the plus strand (C>A on the coding strand, the complement: TRDN is on the minus strand). VCF-style: chr6-123218661-G-T. GRCh37 (hg19) VCF-style: chr6-123539806-G-T.
Other names: short protein forms D710E.
Identifiers: ClinVar variation 1786390 (VCV001786390.2), dbSNP rs1267920665, ClinGen allele CA365564517.
Genomic context (GRCh38, chr6:123,218,661, plus strand): 5'-TTACTGTCCTTGTTGCTTCTGTCCTGGAGAATTTGCTTGACCAGAGCTCTCTCCAGGGCG[G>T]TCTGCAGGAGTGAAAGGAAACTGAAATCCATAGCCATTGTACCCATCCAAGTAGACACAC-3'
Protein context (NP_006064.2, residues 700-720): YGFQFPFTPA[Asp710Glu]RPGESSGQAN